The following is an entry in ClinVar:

ClinVar aggregate classification (germline): Benign/Likely benign. Review status: criteria provided, multiple submitters, no conflicts (2 of 4 stars). 3 submissions from 3 submitters: Benign (2); Likely benign (1). Last evaluated 2025-02-16.

Conditions:
Leigh syndrome (NULS). Also called: Leigh's necrotizing encephalopathy; Leigh's disease; Leigh Syndrome (mtDNA deletion); Leigh Disease; Subacute necrotizing encephalopathy; Necrotizing encephalopathy infantile subacute of Leigh. Identifiers: Orphanet 506, MedGen C2931891, MONDO:0009723, OMIM 256000.

Submissions (3):

Laboratory of Genetics, Children's Clinical University Hospital Latvia
Classification: Likely benign. Last evaluated: 2025-02-16. Review status: criteria provided, single submitter. Criteria: ACMG Guidelines, 2015. Collection method: clinical testing. Allele origin: germline. Affected: yes.

Wong Mito Lab, Molecular and Human Genetics, Baylor College of Medicine
Classification: Benign for Leigh syndrome. Last evaluated: 2019-10-17. Review status: criteria provided, single submitter. Criteria: Modified ACMG Guidelines (Unpublished). Collection method: clinical testing. Allele origin: germline.
Comment: The NC_012920.1:m.3338T>C (YP_003024026.1:p.Val11Ala) variant in MTND1 gene is interpretated to be a Benign variant based on the modified ACMG guidelines (unpublished). This variant meets the following evidence codes: BS1, BS2, BP4

Breakthrough Genomics
Classification: Benign. Review status: criteria provided, single submitter. Criteria: ACMG Guidelines, 2015. Collection method: not provided. Allele origin: germline. Inheritance: Unknown mechanism. Affected: yes.

NC_012920.1(MT-ND1):m.3338T>C

Gene: MT-ND1 (mitochondrially encoded NADH dehydrogenase 1; plus strand).
Variant type: single nucleotide variant.
Genome position: chrM-3338-T-C.
Identifiers: ClinVar variation 692338 (VCV000692338.3), dbSNP rs201969351, ClinGen allele CA337096503.